The following is an entry in ClinVar:

NM_001286555.3(DUSP22):c.316G>A (p.Val106Ile)

Gene: DUSP22 (dual specificity phosphatase 22; plus strand). Cytogenetic location: 6p25.3.
Variant type: single nucleotide variant.
Coding change: c.316G>A on transcript NM_001286555.3 (MANE Select); coding-DNA position 316, G replaced by A.
Protein change: p.Val106Ile; replaces valine 106 with isoleucine.
Molecular consequence: missense variant. On other transcripts: non-coding transcript variant (3).
Genome position (GRCh38, 1-based): chr6:348,155, G>A. VCF-style: chr6-348155-G-A. GRCh37 (hg19) VCF-style: chr6-348155-G-A.
Other names: c.316G>A, p.Val106Ile (NM_020185.6); short protein forms V106I.
Identifiers: ClinVar variation 3035033 (VCV003035033.2), dbSNP rs202152797, ClinGen allele CA3612365.

ClinVar aggregate classification (germline): Likely benign (0 of 4 stars; one submission).

Conditions:
DUSP22-related disorder. Also called: DUSP22-related condition.

Allele frequency attached by ClinVar (database versions not stated): ESP Exome Variant Server 0.00023; gnomAD exomes 0.00035; ExAC 0.00057; gnomAD 0.00063; 1000 Genomes Project 30x 0.00109; 1000 Genomes Project 0.00140.
gnomAD v4.1: 619 of 1,614,142 alleles (0.038%); highest among the groups gnomAD compares: East Asian, 0.67%; no homozygotes.

Submission:

PreventionGenetics, part of Exact Sciences
Classification: Likely benign for DUSP22-related condition. Last evaluated: 2022-06-13. Review status: no assertion criteria provided. Collection method: clinical testing. Allele origin: germline.
Comment: This variant is classified as likely benign based on ACMG/AMP sequence variant interpretation guidelines (Richards et al. 2015 PMID: 25741868, with internal and published modifications).